The following is an entry in ClinVar:

ClinVar aggregate classification (germline): Likely benign. Review status: criteria provided, multiple submitters, no conflicts (2 of 4 stars). 3 submissions from 3 submitters: Likely benign (2). 1 of the submissions does not count toward it. Last evaluated 2024-02-10.

Conditions:
PRPF31-related disorder. Also called: PRPF31-related condition.

Allele frequency attached by ClinVar (database versions not stated): gnomAD 0.00003 and 0.00004; gnomAD exomes 0.00004; TOPMed 0.00004; ESP Exome Variant Server 0.00008.
gnomAD v4.1: 66 of 1,548,602 alleles (0.0043%); highest among the groups gnomAD compares: Non-Finnish European, 0.0047%; no homozygotes.

Submissions (3):

Labcorp Genetics (formerly Invitae), Labcorp
Classification: Likely benign. Last evaluated: 2024-02-10. Review status: criteria provided, single submitter. Criteria: Invitae Variant Classification Sherloc (09022015). Collection method: clinical testing. Allele origin: germline.

Blueprint Genetics
Classification: Likely benign. Last evaluated: 2023-09-07. Review status: criteria provided, single submitter. Criteria: ACMG Guidelines, 2015. Collection method: clinical testing. Allele origin: germline.

PreventionGenetics, part of Exact Sciences
Classification: Likely benign for PRPF31-related condition. Last evaluated: 2020-08-25. Review status: no assertion criteria provided. Collection method: clinical testing. Allele origin: germline. Not counted in ClinVar's aggregate classification.
Comment: This variant is classified as likely benign based on ACMG/AMP sequence variant interpretation guidelines (Richards et al. 2015 PMID: 25741868, with internal and published modifications).

NM_015629.4(PRPF31):c.954C>T (p.Tyr318=)

Gene: PRPF31 (pre-mRNA processing factor 31; plus strand). Cytogenetic location: 19q13.42.
Variant type: single nucleotide variant.
Coding change: c.954C>T on transcript NM_015629.4 (MANE Select); coding-DNA position 954, C replaced by T.
Protein change: p.Tyr318=; no amino-acid change (tyrosine 318 retained).
Molecular consequence: synonymous variant.
Genome position (GRCh38, 1-based): chr19:54,128,081, C>T. VCF-style: chr19-54128081-C-T. GRCh37 (hg19) VCF-style: chr19-54631456-C-T.
Other names: c.954C>T (NM_015629.3).
Identifiers: ClinVar variation 1634714 (VCV001634714.11), dbSNP rs376067058, ClinGen allele CA309329247.